The following is an entry in ClinVar:

NM_000051.4(ATM):c.5892_5894del (p.Lys1965del)

Genes: ATM (ATM serine/threonine kinase; plus strand), C11orf65 (chromosome 11 open reading frame 65; minus strand). Cytogenetic location: 11q22.3.
Variant type: Deletion.
Coding change: c.5892_5894del on transcript NM_000051.4 (MANE Select); coding-DNA positions 5892 to 5894, 3 bases deleted (GAA; older notation c.5892_5894delGAA).
Protein change: p.Lys1965del; deletes lysine 1965.
Molecular consequence: inframe deletion. On other transcripts: inframe indel (1), intron variant (2).
Genome position (GRCh38, 1-based): chr11:108,310,289-108,310,291, GAA deleted; deleting any 3 consecutive bases within chr11:108,310,287-108,310,291 gives the same sequence; the c. name uses the placement nearest the transcript's 3' end. VCF-style (leftmost placement, unchanged base first): chr11-108310286-TAAG-T. GRCh37 (hg19) VCF-style: chr11-108181013-TAAG-T.
Other names: c.5892_5894delGAA, p.Lys1965del (NM_000051.3); c.5892_5894del, p.Lys1965del (NM_001351834.2); c.641-1218_641-1216del (NM_001330368.2); c.*39-1218_*39-1216del (NM_001351110.2); short protein forms K1965del.
Identifiers: ClinVar variation 836219 (VCV000836219.11), dbSNP rs2084037387, ClinGen allele CA916080440.
Genomic context (GRCh38, chr11:108,310,286, plus strand): 5'-GGTAGCTCAGTCTTGTGCTGCTCACTTTACAGCTTTACTCTATGCAGAAATCTATGCAGA[TAAG>T]AAAAGTATGGATGATCAAGAGAAAAGGTAATGGAATTTAGAATTTTTGGTTTTTAAAATT-3'

ClinVar aggregate classification (germline): Uncertain significance (1 of 4 stars; one submission).

Conditions:
Ataxia-telangiectasia syndrome (AT). Also called: ATAXIA-TELANGIECTASIA, COMPLEMENTATION GROUP A; ATAXIA-TELANGIECTASIA, FRESNO VARIANT; Ataxia-telangiectasia; Ataxia-telangiectasia, complementation group D; AT, COMPLEMENTATION GROUP C; Ataxia-telangiectasia, complementation group E. Identifiers: Orphanet 100, MedGen C0004135, MONDO:0008840, OMIM 208900.

Submission:

Labcorp Genetics (formerly Invitae), Labcorp
Classification: Uncertain significance for Ataxia-telangiectasia syndrome. Last evaluated: 2019-03-27. Review status: criteria provided, single submitter. Criteria: Invitae Variant Classification Sherloc (09022015). Collection method: clinical testing. Allele origin: germline.
Comment: In summary, the available evidence is currently insufficient to determine the role of this variant in disease. Therefore, it has been classified as a Variant of Uncertain Significance. Experimental studies and prediction algorithms are not available for this variant, and the functional significance of the affected amino acid(s) is currently unknown. This variant has not been reported in the literature in individuals with ATM-related conditions. This variant is not present in population databases (ExAC no frequency). This variant, c.5892_5894del, results in the deletion of 1 amino acid(s) of the ATM protein (p.Lys1965del), but otherwise preserves the integrity of the reading frame.